The following is an entry in ClinVar:

ClinVar aggregate classification (germline): Uncertain significance (1 of 4 stars; one submission).

Conditions:
PFN1-related disorder. Also called: PFN1-related condition.

gnomAD v4.1: 8 of 1,607,032 alleles (0.0005%); highest among the groups gnomAD compares: Non-Finnish European, 0.00068%; no homozygotes.

Submission:

PreventionGenetics, part of Exact Sciences
Classification: Uncertain significance for PFN1-related condition. Last evaluated: 2024-12-03. Review status: criteria provided, single submitter. Criteria: ACMG Guidelines, 2015. Collection method: clinical testing. Allele origin: germline.
Comment: The PFN1 c.17C>T variant is predicted to result in the amino acid substitution p.Ala6Val. To our knowledge, this variant has not been reported in the literature. This variant is reported in 0.0018% of alleles in individuals of European (Non-Finnish) descent in gnomAD. At this time, the clinical significance of this variant is uncertain due to the absence of conclusive functional and genetic evidence.

NM_005022.4(PFN1):c.17C>T (p.Ala6Val)

Gene: PFN1 (profilin 1; minus strand). Cytogenetic location: 17p13.2.
Variant type: single nucleotide variant.
Coding change: c.17C>T on transcript NM_005022.4 (MANE Select); coding-DNA position 17, C replaced by T.
Protein change: p.Ala6Val; replaces alanine 6 with valine.
Molecular consequence: missense variant.
Genome position (GRCh38, 1-based): chr17:4,948,378, G>A on the plus strand (C>T on the coding strand, the complement: PFN1 is on the minus strand). VCF-style: chr17-4948378-G-A. GRCh37 (hg19) VCF-style: chr17-4851673-G-A.
Other names: c.17C>T, p.Ala6Val (NM_001375991.1); short protein forms A6V.
Identifiers: ClinVar variation 4977766 (VCV004977766.1).